The following is an entry in ClinVar:

NM_016123.4(IRAK4):c.1148G>A (p.Gly383Glu)

Gene: IRAK4 (interleukin 1 receptor associated kinase 4; plus strand). Cytogenetic location: 12q12.
Variant type: single nucleotide variant.
Coding change: c.1148G>A on transcript NM_016123.4 (MANE Select); coding-DNA position 1148, G replaced by A.
Protein change: p.Gly383Glu; replaces glycine 383 with glutamic acid.
Molecular consequence: missense variant.
Genome position (GRCh38, 1-based): chr12:43,783,684, G>A. VCF-style: chr12-43783684-G-A. GRCh37 (hg19) VCF-style: chr12-44177487-G-A.
Other names: c.1148G>A, p.Gly383Glu (NM_001114182.3, NM_001351345.2); c.776G>A, p.Gly259Glu (NM_001145256.2, NM_001145257.2, NM_001145258.2 and 5 more transcripts); c.539G>A, p.Gly180Glu (NM_001351343.2, NM_001351344.2); short protein forms G383E, G259E, G180E.
Identifiers: ClinVar variation 571564 (VCV000571564.8), dbSNP rs755772831, ClinGen allele CA6522597.
Genomic context (GRCh38, chr12:43,783,684, plus strand): 5'-CTTGTGTATTATATTAATGATTTTTTTTGTCTTCATAGGTTTTACTAGAAATAATAACTG[G>A]ACTTCCAGCTGTGGATGAACACCGTGAACCTCAGTTATTGGTAAATGAAATATTCATTTT-3'
Protein context (NP_057207.2, residues 373-393): FGVVLLEIIT[Gly383Glu]LPAVDEHREP

ClinVar aggregate classification (germline): Uncertain significance (1 of 4 stars; one submission).

Conditions:
Immunodeficiency 67. Also called: Immunodeficiency due to interleukin-1 receptor-associated kinase-4 deficiency. Identifiers: Orphanet 70592, MedGen C1843256, MONDO:0011888, OMIM 607676.

Allele frequency attached by ClinVar (database versions not stated): gnomAD 0.00001; TOPMed 0.00001.
gnomAD v4.1: 12 of 1,606,182 alleles (0.00075%); highest among the groups gnomAD compares: Non-Finnish European, 0.00094%; no homozygotes.

Submission:

Labcorp Genetics (formerly Invitae), Labcorp
Classification: Uncertain significance for Immunodeficiency 67. Last evaluated: 2022-03-06. Review status: criteria provided, single submitter. Criteria: Invitae Variant Classification Sherloc (09022015). Collection method: clinical testing. Allele origin: germline.
Comment: In summary, the available evidence is currently insufficient to determine the role of this variant in disease. Therefore, it has been classified as a Variant of Uncertain Significance. Advanced modeling of protein sequence and biophysical properties (such as structural, functional, and spatial information, amino acid conservation, physicochemical variation, residue mobility, and thermodynamic stability) performed at Invitae indicates that this missense variant is expected to disrupt IRAK4 protein function. ClinVar contains an entry for this variant (Variation ID: 571564). This variant has not been reported in the literature in individuals affected with IRAK4-related conditions. This variant is present in population databases (rs755772831, gnomAD 0.005%). This sequence change replaces glycine, which is neutral and non-polar, with glutamic acid, which is acidic and polar, at codon 383 of the IRAK4 protein (p.Gly383Glu).